The following is an entry in ClinVar:

NM_004985.5(KRAS):c.264A>G (p.Lys88=)

Gene: KRAS (KRas proto-oncogene, GTPase; minus strand). Cytogenetic location: 12p12.1.
Variant type: single nucleotide variant.
Coding change: c.264A>G on transcript NM_004985.5 (MANE Select); coding-DNA position 264, A replaced by G.
Protein change: p.Lys88=; no amino-acid change (lysine 88 retained).
Molecular consequence: synonymous variant.
Genome position (GRCh38, 1-based): chr12:25,227,260, T>C on the plus strand (A>G on the coding strand, the complement: KRAS is on the minus strand). VCF-style: chr12-25227260-T-C. GRCh37 (hg19) VCF-style: chr12-25380194-T-C.
Other names: c.264A>G, p.Lys88= (NM_001369786.1, NM_001369787.1, NM_033360.4).
Identifiers: ClinVar variation 227471 (VCV000227471.37), dbSNP rs370920665, ClinGen allele CA6486904.
Genomic context (GRCh38, chr12:25,227,260, plus strand): 5'-TAATGTCAGCTTATTATATTCAATTTAAACCCACCTATAATGGTGAATATCTTCAAATGA[T>C]TTAGTATTATTTATGGCAAATACACAAAGAAAGCCCTCCCCAGTCCTCATGTACTGGTCC-3'
Protein context (NP_004976.2, residues 78-98): FLCVFAINNT[Lys88=]SFEDIHHYRE

ClinVar aggregate classification (germline): Benign/Likely benign. Review status: criteria provided, multiple submitters, no conflicts (2 of 4 stars). 8 submissions from 8 submitters: Benign (3); Likely benign (4). 1 of the submissions does not count toward it. Last evaluated 2025-12-30.

Conditions:
KRAS-related disorder. Also called: KRAS-related disorders; KRAS-related condition.
RASopathy. Also called: rasopathies; Noonan spectrum disorder. Identifiers: Orphanet 536391, MedGen C5555857, MONDO:0021060.

Allele frequency attached by ClinVar (database versions not stated): ESP Exome Variant Server 0.00015; gnomAD exomes 0.00015 and 0.00024; ExAC 0.00017; TOPMed 0.00020; gnomAD 0.00021 and 0.00023.
gnomAD v4.1: 255 of 1,613,344 alleles (0.016%); highest among the groups gnomAD compares: South Asian, 0.085%; 3 homozygotes.

Submissions (8):

Labcorp Genetics (formerly Invitae), Labcorp
Classification: Benign for RASopathy. Last evaluated: 2025-12-30. Review status: criteria provided, single submitter. Criteria: Invitae Variant Classification Sherloc (09022015). Collection method: clinical testing. Allele origin: germline.

Blueprint Genetics
Classification: Likely benign. Last evaluated: 2024-11-21. Review status: criteria provided, single submitter. Criteria: ACMG Guidelines, 2015. Collection method: clinical testing. Allele origin: germline.

CeGaT Center for Human Genetics Tuebingen
Classification: Likely benign. Last evaluated: 2024-10-01. Review status: criteria provided, single submitter. Criteria: CeGaT Center For Human Genetics Tuebingen Variant Classification Criteria Version 2. Collection method: clinical testing. Allele origin: germline. Affected: yes. Observed: 1 variant allele.
Comment: KRAS: BP4, BP7

GeneDx
Classification: Benign. Last evaluated: 2018-05-21. Review status: criteria provided, single submitter. Criteria: GeneDx Variant Classification (06012015). Collection method: clinical testing. Allele origin: germline. Affected: yes.
Comment: This variant is considered likely benign or benign based on one or more of the following criteria: it is a conservative change, it occurs at a poorly conserved position in the protein, it is predicted to be benign by multiple in silico algorithms, and/or has population frequency not consistent with disease.

Women's Health and Genetics/Laboratory Corporation of America, LabCorp
Classification: Benign. Last evaluated: 2017-08-10. Review status: criteria provided, single submitter. Criteria: LabCorp Variant Classification Summary - May 2015. Collection method: clinical testing. Allele origin: germline.
Comment: Variant summary: The KRAS c.264A>G (p.Lys88Lys) variant involves the alteration of a non-conserved nucleotide, resulting in a synonymous change, located in the P-loop containing nucleoside triphosphate hydrolase domain (IPR027417) (InterPro). One in silico tool predicts a damaging outcome for this variant. 4/5 splice prediction tools predict no significant impact on normal splicing. However, these predictions have yet to be confirmed by functional studies. This variant was found in the large control database ExAC in 21/120432 control chromosomes at a frequency of 0.0001744, which is approximately 14 times the estimated maximal expected allele frequency of a pathogenic KRAS variant (0.0000125), suggesting this variant is likely a benign polymorphism. In addition, multiple clinical diagnostic laboratories/reputable databases classified this variant as likely benign. The variant of interest has not, to our knowledge, been reported as a germline variant in affected individuals via publications and/or reputable databases/clinical diagnostic laboratories; nor evaluated for functional impact by in vivo/vitro studies. Taken together, this variant is classified as benign.

Eurofins Ntd Llc (ga)
Classification: Likely benign. Last evaluated: 2017-03-24. Review status: criteria provided, single submitter. Criteria: EGL Classification Definitions 2015. Collection method: clinical testing. Allele origin: germline. Observed: 1 variant allele, 1 heterozygote.

Laboratory for Molecular Medicine, Mass General Brigham Personalized Medicine
Classification: Likely benign. Last evaluated: 2015-10-13. Review status: criteria provided, single submitter. Criteria: LMM Criteria. Collection method: clinical testing. Allele origin: germline. Observed: 1 variant allele.
Comment: p.Lys88Lys in Exon 03 of KRAS: This variant is not expected to have clinical sig nificance because it does not alter an amino acid residue, is not located within the splice consensus sequence. It has been identified in 8/16432 South Asian ch romosomes by the Exome Aggregation Consortium (ExAC. org).

PreventionGenetics, part of Exact Sciences
Classification: Likely benign for KRAS-related condition. Last evaluated: 2020-08-24. Review status: no assertion criteria provided. Collection method: clinical testing. Allele origin: germline. Not counted in ClinVar's aggregate classification.
Comment: This variant is classified as likely benign based on ACMG/AMP sequence variant interpretation guidelines (Richards et al. 2015 PMID: 25741868, with internal and published modifications).

Literature cited by the submitters: PubMed 22980975 (cited by Women's Health and Genetics/Laboratory Corporation of America, LabCorp); PubMed 23531339 (cited by Women's Health and Genetics/Laboratory Corporation of America, LabCorp).